The following is an entry in ClinVar:

NM_152383.5(DIS3L2):c.31C>T (p.Arg11Trp)

Gene: DIS3L2 (DIS3 like 3'-5' exoribonuclease 2; plus strand). Cytogenetic location: 2q37.1.
Variant type: single nucleotide variant.
Coding change: c.31C>T on transcript NM_152383.5 (MANE Select); coding-DNA position 31, C replaced by T.
Protein change: p.Arg11Trp; replaces arginine 11 with tryptophan.
Molecular consequence: missense variant. On other transcripts: non-coding transcript variant (2).
Genome position (GRCh38, 1-based): chr2:232,014,958, C>T. VCF-style: chr2-232014958-C-T. GRCh37 (hg19) VCF-style: chr2-232879668-C-T.
Other names: c.31C>T, p.Arg11Trp (NM_001257281.2, NM_001257282.2); short protein forms R11W.
Identifiers: ClinVar variation 582964 (VCV000582964.9), dbSNP rs751777329, ClinGen allele CA2163689.

ClinVar aggregate classification (germline): Uncertain significance (1 of 4 stars; one submission).

Conditions:
Perlman syndrome (PRLMNS). Identifiers: Orphanet 2849, MedGen C0796113, MONDO:0009965, OMIM 267000.

Allele frequency attached by ClinVar (database versions not stated): gnomAD exomes 0.00002 and 0.00003; ExAC 0.00003; gnomAD 0.00003 and 0.00004; TOPMed 0.00004.
gnomAD v4.1: 36 of 1,613,894 alleles (0.0022%); highest among the groups gnomAD compares: African/African-American, 0.008%; no homozygotes.

Submission:

Labcorp Genetics (formerly Invitae), Labcorp
Classification: Uncertain significance for Perlman syndrome. Last evaluated: 2025-10-15. Review status: criteria provided, single submitter. Criteria: Invitae Variant Classification Sherloc (09022015). Collection method: clinical testing. Allele origin: germline.
Comment: This sequence change replaces arginine, which is basic and polar, with tryptophan, which is neutral and slightly polar, at codon 11 of the DIS3L2 protein (p.Arg11Trp). This variant is present in population databases (rs751777329, gnomAD 0.008%). This variant has not been reported in the literature in individuals affected with DIS3L2-related conditions. ClinVar contains an entry for this variant (Variation ID: 582964). An algorithm developed to predict the effect of missense changes on protein structure and function outputs the following: PolyPhen-2: "Benign". The tryptophan amino acid residue is found in multiple mammalian species, which suggests that this missense change does not adversely affect protein function. In summary, the available evidence is currently insufficient to determine the role of this variant in disease. Therefore, it has been classified as a Variant of Uncertain Significance.